The following is an entry in ClinVar:

ClinVar aggregate classification (germline): Uncertain significance (1 of 4 stars; one submission).

Submission:

GeneDx
Classification: Uncertain significance. Last evaluated: 2024-11-25. Review status: criteria provided, single submitter. Criteria: GeneDx Variant Classification Process June 2021. Collection method: clinical testing. Allele origin: germline. Affected: yes.
Comment: Not observed at significant frequency in large population cohorts (gnomAD); In silico analysis supports that this missense variant has a deleterious effect on protein structure/function; Has not been previously published as pathogenic or benign to our knowledge

NM_001205293.3(CACNA1E):c.5296G>A (p.Glu1766Lys)

Gene: CACNA1E (calcium voltage-gated channel subunit alpha1 E; plus strand). Cytogenetic location: 1q25.3.
Variant type: single nucleotide variant.
Coding change: c.5296G>A on transcript NM_001205293.3 (MANE Select); coding-DNA position 5296, G replaced by A.
Protein change: p.Glu1766Lys; replaces glutamic acid 1766 with lysine.
Molecular consequence: missense variant.
Genome position (GRCh38, 1-based): chr1:181,781,455, G>A. VCF-style: chr1-181781455-G-A. GRCh37 (hg19) VCF-style: chr1-181750591-G-A.
Other names: c.5296G>A, p.Glu1766Lys (NM_000721.4); c.5239G>A, p.Glu1747Lys (NM_001205294.2); short protein forms E1747K, E1766K.
Identifiers: ClinVar variation 3900460 (VCV003900460.1).
Genomic context (GRCh38, chr1:181,781,455, plus strand): 5'-CCCCATCCCAACTCACCACCCTCCATGAGCAGTGGCCGCATCCATTACACTGAGATGTAT[G>A]AAATGCTGACTCTCATGTCACCTCCGCTAGGCCTCGGCAAGAGATGTCCCTCCAAAGTGG-3'
Protein context (NP_001192222.1, residues 1756-1776): CGRIHYTEMY[Glu1766Lys]MLTLMSPPLG